The following is an entry in ClinVar:

NM_001367624.2(ZNF469):c.563C>G (p.Pro188Arg)

Gene: ZNF469 (zinc finger protein 469; plus strand). Cytogenetic location: 16q24.2.
Variant type: single nucleotide variant.
Coding change: c.563C>G on transcript NM_001367624.2 (MANE Select); coding-DNA position 563, C replaced by G.
Protein change: p.Pro188Arg; replaces proline 188 with arginine.
Molecular consequence: missense variant.
Genome position (GRCh38, 1-based): chr16:88,428,033, C>G. VCF-style: chr16-88428033-C-G. GRCh37 (hg19) VCF-style: chr16-88494441-C-G.
Other names: NM_001127464.1:c.563C>G; short protein forms P188R.
Identifiers: ClinVar variation 3987339 (VCV003987339.1).

ClinVar aggregate classification (germline): Uncertain significance (1 of 4 stars; one submission).

Conditions:
Cardiovascular phenotype. Identifiers: MedGen CN230736.

Submission:

Ambry Genetics
Classification: Uncertain significance for Cardiovascular phenotype. Last evaluated: 2025-05-05. Review status: criteria provided, single submitter. Criteria: Ambry Variant Classification Scheme 2023. Collection method: clinical testing. Allele origin: germline.
Comment: The p.P188R variant (also known as c.563C>G), located in coding exon 1 of the ZNF469 gene, results from a C to G substitution at nucleotide position 563. The proline at codon 188 is replaced by arginine, an amino acid with dissimilar properties. This amino acid position is conserved. In addition, this alteration is predicted to be tolerated by in silico analysis. Based on the available evidence, the clinical significance of this variant remains unclear.